The following is an entry in ClinVar:

NM_001370595.2(COA8):c.40C>A (p.Pro14Thr)

Gene: COA8 (cytochrome c oxidase assembly factor 8; plus strand). Cytogenetic location: 14q32.33.
Variant type: single nucleotide variant.
Coding change: c.40C>A on transcript NM_001370595.2 (MANE Select); coding-DNA position 40, C replaced by A.
Protein change: p.Pro14Thr; replaces proline 14 with threonine.
Molecular consequence: missense variant. On other transcripts: non-coding transcript variant (2).
Genome position (GRCh38, 1-based): chr14:103,563,041, C>A. VCF-style: chr14-103563041-C-A. GRCh37 (hg19) VCF-style: chr14-104029378-C-A.
Other names: c.79C>A (NM_032374.4); c.40C>A, p.Pro14Thr (NM_001302653.2, NM_001302654.2); short protein forms P14T.
Identifiers: ClinVar variation 381449 (VCV000381449.52), dbSNP rs2274268, ClinGen allele CA7365395.

ClinVar aggregate classification (germline): Likely benign. Review status: criteria provided, multiple submitters, no conflicts (2 of 4 stars). 5 submissions from 5 submitters: Likely benign (4). 1 of the submissions does not count toward it. Last evaluated 2026-08-01.

Conditions:
COA8-related disorder. Also called: COA8-related condition.

Allele frequency attached by ClinVar (database versions not stated): 1000 Genomes Project 30x 0.00125.
gnomAD v4.1: 4,541 of 1,543,774 alleles (0.29%); highest among the groups gnomAD compares: Non-Finnish European, 0.37%; 10 homozygotes.

Submissions (5):

CeGaT Center for Human Genetics Tuebingen
Classification: Likely benign. Last evaluated: 2026-08-01. Review status: criteria provided, single submitter. Criteria: CeGaT Center For Human Genetics Tuebingen Variant Classification Criteria Version 2. Collection method: clinical testing. Allele origin: germline. Affected: yes. Observed: 5 variant alleles.
Comment: COA8: BP4

Labcorp Genetics (formerly Invitae), Labcorp
Classification: Likely benign. Last evaluated: 2025-10-08. Review status: criteria provided, single submitter. Criteria: Invitae Variant Classification Sherloc (09022015). Collection method: clinical testing. Allele origin: germline.

Blueprint Genetics
Classification: Likely benign. Last evaluated: 2024-11-25. Review status: criteria provided, single submitter. Criteria: ACMG Guidelines, 2015. Collection method: clinical testing. Allele origin: germline.

GeneDx
Classification: Likely benign. Last evaluated: 2017-05-23. Review status: criteria provided, single submitter. Criteria: GeneDx Variant Classification (06012015). Collection method: clinical testing. Allele origin: germline. Affected: yes.
Comment: This variant is considered likely benign or benign based on one or more of the following criteria: it is a conservative change, it occurs at a poorly conserved position in the protein, it is predicted to be benign by multiple in silico algorithms, and/or has population frequency not consistent with disease.

PreventionGenetics, part of Exact Sciences
Classification: Likely benign for COA8-related condition. Last evaluated: 2022-04-20. Review status: no assertion criteria provided. Collection method: clinical testing. Allele origin: germline. Not counted in ClinVar's aggregate classification.
Comment: This variant is classified as likely benign based on ACMG/AMP sequence variant interpretation guidelines (Richards et al. 2015 PMID: 25741868, with internal and published modifications).